The following is an entry in ClinVar:

ClinVar aggregate classification (germline): Uncertain significance (1 of 4 stars; one submission).

Conditions:
Leber congenital amaurosis 13 (LCA13). Identifiers: MedGen C2675186, MONDO:0012990, OMIM 612712.

Submission:

Labcorp Genetics (formerly Invitae), Labcorp
Classification: Uncertain significance for Leber congenital amaurosis 13. Last evaluated: 2022-04-08. Review status: criteria provided, single submitter. Criteria: Invitae Variant Classification Sherloc (09022015). Collection method: clinical testing. Allele origin: germline.
Comment: In summary, the available evidence is currently insufficient to determine the role of this variant in disease. Therefore, it has been classified as a Variant of Uncertain Significance. Algorithms developed to predict the effect of sequence changes on RNA splicing suggest that this variant may create or strengthen a splice site. Algorithms developed to predict the effect of missense changes on protein structure and function are either unavailable or do not agree on the potential impact of this missense change (SIFT: "Deleterious"; PolyPhen-2: "Not Available"; Align-GVGD: "Class C0"). This variant has not been reported in the literature in individuals affected with RDH12-related conditions. This variant is not present in population databases (gnomAD no frequency). This sequence change replaces leucine, which is neutral and non-polar, with arginine, which is basic and polar, at codon 15 of the RDH12 protein (p.Leu15Arg).

NM_152443.3(RDH12):c.44T>G (p.Leu15Arg)

Genes: RDH12 (retinol dehydrogenase 12; plus strand), GPHN (gephyrin; plus strand). Cytogenetic location: 14q24.1.
Variant type: single nucleotide variant.
Coding change: c.44T>G on transcript NM_152443.3 (MANE Select); coding-DNA position 44, T replaced by G.
Protein change: p.Leu15Arg; replaces leucine 15 with arginine.
Molecular consequence: missense variant.
Genome position (GRCh38, 1-based): chr14:67,722,686, T>G. VCF-style: chr14-67722686-T-G. GRCh37 (hg19) VCF-style: chr14-68189403-T-G.
Other names: short protein forms L15R.
Identifiers: ClinVar variation 2123014 (VCV002123014.4), dbSNP rs2503780287, ClinGen allele CA390146363.